The following is an entry in ClinVar:

ClinVar aggregate classification (germline): Likely benign. Review status: criteria provided, multiple submitters, no conflicts (2 of 4 stars). 5 submissions from 5 submitters: Likely benign (4). 1 of the submissions does not count toward it. Last evaluated 2026-06-01.

Conditions:
SETBP1-related disorder. Also called: SETBP1-related condition; SETBP1-related disorders.

Allele frequency attached by ClinVar (database versions not stated): ExAC 0.00013; gnomAD exomes 0.00014; TOPMed 0.00018; gnomAD 0.00020; ESP Exome Variant Server 0.00031.
gnomAD v4.1: 436 of 1,613,898 alleles (0.027%); highest among the groups gnomAD compares: Non-Finnish European, 0.035%; 1 homozygote.

Submissions (5):

CeGaT Center for Human Genetics Tuebingen
Classification: Likely benign. Last evaluated: 2026-06-01. Review status: criteria provided, single submitter. Criteria: CeGaT Center For Human Genetics Tuebingen Variant Classification Criteria Version 2. Collection method: clinical testing. Allele origin: germline. Affected: yes. Observed: 5 variant alleles.
Comment: SETBP1: BP4, BP7

Labcorp Genetics (formerly Invitae), Labcorp
Classification: Likely benign. Last evaluated: 2025-05-17. Review status: criteria provided, single submitter. Criteria: Invitae Variant Classification Sherloc (09022015). Collection method: clinical testing. Allele origin: germline.

ARUP Laboratories, Molecular Genetics and Genomics, ARUP Laboratories
Classification: Likely benign. Last evaluated: 2025-05-06. Review status: criteria provided, single submitter. Criteria: ARUP Molecular Germline Variant Investigation Process 2024. Collection method: clinical testing. Allele origin: germline.

Blueprint Genetics
Classification: Likely benign. Last evaluated: 2024-09-18. Review status: criteria provided, single submitter. Criteria: ACMG Guidelines, 2015. Collection method: clinical testing. Allele origin: germline.

PreventionGenetics, part of Exact Sciences
Classification: Likely benign for SETBP1-related condition. Last evaluated: 2019-03-14. Review status: no assertion criteria provided. Collection method: clinical testing. Allele origin: germline. Not counted in ClinVar's aggregate classification.
Comment: This variant is classified as likely benign based on ACMG/AMP sequence variant interpretation guidelines (Richards et al. 2015 PMID: 25741868, with internal and published modifications).

NM_015559.3(SETBP1):c.969G>A (p.Lys323=)

Gene: SETBP1 (SET binding protein 1; plus strand). Cytogenetic location: 18q12.3.
Variant type: single nucleotide variant.
Coding change: c.969G>A on transcript NM_015559.3 (MANE Select); coding-DNA position 969, G replaced by A.
Protein change: p.Lys323=; no amino-acid change (lysine 323 retained).
Molecular consequence: synonymous variant.
Genome position (GRCh38, 1-based): chr18:44,950,309, G>A. VCF-style: chr18-44950309-G-A. GRCh37 (hg19) VCF-style: chr18-42530274-G-A.
Other names: c.969G>A, p.Lys323= (LRG_1150t1).
Identifiers: ClinVar variation 326732 (VCV000326732.39), dbSNP rs138913968, ClinGen allele CA8945525.